The following is an entry in ClinVar:

ClinVar aggregate classification (germline): Uncertain significance. Review status: criteria provided, multiple submitters, no conflicts (2 of 4 stars). 2 submissions from 2 submitters: Uncertain significance (2). Last evaluated 2024-12-29.

Conditions:
Familial hypokalemia-hypomagnesemia (GTLMNS). Also called: HYPOMAGNESEMIA-HYPOKALEMIA, PRIMARY RENOTUBULAR, WITH HYPOCALCIURIA; POTASSIUM AND MAGNESIUM DEPLETION; gitelman syndrome. Identifiers: Orphanet 358, MedGen C0268450, MONDO:0009904, OMIM 263800.

gnomAD v4.1: 185 of 1,614,090 alleles (0.011%); highest among the groups gnomAD compares: Middle Eastern, 0.016%; no homozygotes.

Submissions (2):

Labcorp Genetics (formerly Invitae), Labcorp
Classification: Uncertain significance. Last evaluated: 2024-12-29. Review status: criteria provided, single submitter. Criteria: Invitae Variant Classification Sherloc (09022015). Collection method: clinical testing. Allele origin: germline.
Comment: This sequence change replaces valine, which is neutral and non-polar, with methionine, which is neutral and non-polar, at codon 63 of the SLC12A3 protein (p.Val63Met). This variant is present in population databases (rs773670898, gnomAD 0.01%). This variant has not been reported in the literature in individuals affected with SLC12A3-related conditions. Invitae Evidence Modeling of protein sequence and biophysical properties (such as structural, functional, and spatial information, amino acid conservation, physicochemical variation, residue mobility, and thermodynamic stability) has been performed for this missense variant. However, the output from this modeling did not meet the statistical confidence thresholds required to predict the impact of this variant on SLC12A3 protein function. In summary, the available evidence is currently insufficient to determine the role of this variant in disease. Therefore, it has been classified as a Variant of Uncertain Significance.

Fulgent Genetics
Classification: Uncertain significance for Familial hypokalemia-hypomagnesemia. Last evaluated: 2024-04-13. Review status: criteria provided, single submitter. Criteria: ACMG Guidelines, 2015. Collection method: clinical testing. Allele origin: germline.

NM_001126108.2(SLC12A3):c.187G>A (p.Val63Met)

Gene: SLC12A3 (solute carrier family 12 member 3; plus strand). Cytogenetic location: 16q13.
Variant type: single nucleotide variant.
Coding change: c.187G>A on transcript NM_001126108.2 (MANE Select); coding-DNA position 187, G replaced by A.
Protein change: p.Val63Met; replaces valine 63 with methionine.
Molecular consequence: missense variant.
Genome position (GRCh38, 1-based): chr16:56,865,422, G>A. VCF-style: chr16-56865422-G-A. GRCh37 (hg19) VCF-style: chr16-56899334-G-A.
Other names: c.187G>A, p.Val63Met (NM_000339.3, NM_001126107.2, NM_001410896.1); short protein forms V63M.
Identifiers: ClinVar variation 3580946 (VCV003580946.3).